The following is an entry in ClinVar:

NM_000059.4(BRCA2):c.5245T>C (p.Tyr1749His)

Gene: BRCA2 (BRCA2 DNA repair associated; plus strand). Cytogenetic location: 13q13.1.
Variant type: single nucleotide variant.
Coding change: c.5245T>C on transcript NM_000059.4 (MANE Select); coding-DNA position 5245, T replaced by C.
Protein change: p.Tyr1749His; replaces tyrosine 1749 with histidine.
Molecular consequence: missense variant.
Genome position (GRCh38, 1-based): chr13:32,339,600, T>C. VCF-style: chr13-32339600-T-C. GRCh37 (hg19) VCF-style: chr13-32913737-T-C.
Other names: short protein forms Y1749H.
Identifiers: ClinVar variation 230729 (VCV000230729.15), dbSNP rs876658731, ClinGen allele CA10579649.

ClinVar aggregate classification (germline): Conflicting classifications of pathogenicity. Review status: criteria provided, conflicting classifications (1 of 4 stars). 5 submissions from 5 submitters: Uncertain significance (4); Likely benign (1). Last evaluated 2025-11-25.

Conditions:
Hereditary cancer-predisposing syndrome. Also called: Neoplastic Syndromes, Hereditary; Tumor predisposition; Hereditary Cancer Syndrome; Hereditary neoplastic syndrome. Identifiers: Orphanet 140162, MedGen C0027672, MeSH D009386, MONDO:0015356.
BRCA2-related cancer predisposition. Identifiers: MedGen CN377758, MONDO:0700269.
Hereditary breast ovarian cancer syndrome. Also called: BRCA1- and BRCA2-Associated Hereditary Breast and Ovarian Cancer; Hereditary breast and ovarian cancer syndrome; Hereditary breast and ovarian cancer; Hereditary breast and ovarian cancer syndrome (HBOC); Breast and ovarian cancer; Hereditary breast and/or ovarian cancer syndrome. Identifiers: Orphanet 145, MedGen C0677776, MeSH D061325, MONDO:0003582. Disease mechanism: loss of function.

Allele frequency attached by ClinVar (database versions not stated): gnomAD exomes below 0.00001; TOPMed below 0.00001; gnomAD 0.00001.
gnomAD v4.1: 1 of 1,611,566 alleles (0.000062%); highest among the groups gnomAD compares: African/African-American, 0.0013%; no homozygotes.

Submissions (5):

Labcorp Genetics (formerly Invitae), Labcorp
Classification: Uncertain significance for Hereditary breast ovarian cancer syndrome. Last evaluated: 2025-11-25. Review status: criteria provided, single submitter. Criteria: Invitae Variant Classification Sherloc (09022015). Collection method: clinical testing. Allele origin: germline.
Comment: This sequence change replaces tyrosine, which is neutral and polar, with histidine, which is basic and polar, at codon 1749 of the BRCA2 protein (p.Tyr1749His). This variant is present in population databases (no rsID available, gnomAD 0.007%). This variant has not been reported in the literature in individuals affected with BRCA2-related conditions. ClinVar contains an entry for this variant (Variation ID: 230729). Invitae Evidence Modeling of protein sequence and biophysical properties (such as structural, functional, and spatial information, amino acid conservation, physicochemical variation, residue mobility, and thermodynamic stability) indicates that this missense variant is not expected to disrupt BRCA2 protein function with a negative predictive value of 95%. In summary, the available evidence is currently insufficient to determine the role of this variant in disease. Therefore, it has been classified as a Variant of Uncertain Significance.

Color Diagnostics, LLC DBA Color Health
Classification: Uncertain significance for Hereditary cancer-predisposing syndrome. Last evaluated: 2025-11-04. Review status: criteria provided, single submitter. Criteria: ACMG Guidelines, 2015. Collection method: clinical testing. Allele origin: germline.
Comment: This missense variant replaces tyrosine with histidine at codon 1749 of the BRCA2 protein. Computational prediction suggests that this variant may not impact protein structure and function. To our knowledge, functional studies have not been reported for this variant. Multifactorial analysis reached a combined likelihood ratio (LR) of 1.409 based on personal and family history for 2 carriers (PMID: 31853058). This variant has been identified in 1/1459230 chromosomes in the general population by the Genome Aggregation Database (gnomAD). The available evidence is insufficient to determine the role of this variant in disease conclusively. Therefore, this variant is classified as a Variant of Uncertain Significance.

Ambry Genetics
Classification: Uncertain significance for Hereditary cancer-predisposing syndrome. Last evaluated: 2024-03-19. Review status: criteria provided, single submitter. Criteria: Ambry Variant Classification Scheme 2023. Collection method: clinical testing. Allele origin: germline.
Comment: The p.Y1749H variant (also known as c.5245T>C), located in coding exon 10 of the BRCA2 gene, results from a T to C substitution at nucleotide position 5245. The tyrosine at codon 1749 is replaced by histidine, an amino acid with similar properties. This amino acid position is not well conserved in available vertebrate species. In addition, this alteration is predicted to be tolerated by in silico analysis. Since supporting evidence is limited at this time, the clinical significance of this alteration remains unclear.

All of Us Research Program, National Institutes of Health
Classification: Uncertain significance for BRCA2-related cancer predisposition. Last evaluated: 2024-03-05. Review status: criteria provided, single submitter. Criteria: ACMG Guidelines, 2015. Collection method: clinical testing. Allele origin: germline. Inheritance: Autosomal dominant inheritance. Observed: 1 variant allele, 1 heterozygote.
Comment: This study involves interpretation of variants in research participants for the purpose of population health screening. Participant phenotype was not available at the time of variant classification. Additional details can be found in publication PMID: 35346344, PMCID: PMC8962531

University of Washington Department of Laboratory Medicine, University of Washington
Classification: Likely benign for Hereditary cancer-predisposing syndrome. Last evaluated: 2023-03-23. Review status: criteria provided, single submitter. Criteria: Dines et al. (Genet Med. 2020). Collection method: curation. Allele origin: germline.
Comment: Missense variant in a coldspot region where missense variants are very unlikely to be pathogenic (PMID:31911673).

BRCA2 exon 11 coldspot. Reclassification based on statistical prior probability.

Literature cited by the submitters: PubMed 31853058 (cited by Color Diagnostics, LLC DBA Color Health).